The following is an entry in ClinVar:

NM_014249.4(NR2E3):c.943G>A (p.Val315Met)

Gene: NR2E3 (nuclear receptor subfamily 2 group E member 3; plus strand). Cytogenetic location: 15q23.
Variant type: single nucleotide variant.
Coding change: c.943G>A on transcript NM_014249.4 (MANE Select); coding-DNA position 943, G replaced by A.
Protein change: p.Val315Met; replaces valine 315 with methionine.
Molecular consequence: missense variant.
Genome position (GRCh38, 1-based): chr15:71,813,584, G>A. VCF-style: chr15-71813584-G-A. GRCh37 (hg19) VCF-style: chr15-72105924-G-A.
Other names: c.943G>A, p.Val315Met (NM_016346.4); short protein forms V315M.
Identifiers: ClinVar variation 1713711 (VCV001713711.6), dbSNP rs903689409, ClinGen allele CA272575665.

ClinVar aggregate classification (germline): Uncertain significance (1 of 4 stars; one submission).

Submission:

Labcorp Genetics (formerly Invitae), Labcorp
Classification: Uncertain significance. Last evaluated: 2022-10-24. Review status: criteria provided, single submitter. Criteria: Invitae Variant Classification Sherloc (09022015). Collection method: clinical testing. Allele origin: germline.
Comment: In summary, the available evidence is currently insufficient to determine the role of this variant in disease. Therefore, it has been classified as a Variant of Uncertain Significance. This sequence change replaces valine, which is neutral and non-polar, with methionine, which is neutral and non-polar, at codon 315 of the NR2E3 protein (p.Val315Met). This variant is not present in population databases (gnomAD no frequency). This variant has not been reported in the literature in individuals affected with NR2E3-related conditions. Advanced modeling of protein sequence and biophysical properties (such as structural, functional, and spatial information, amino acid conservation, physicochemical variation, residue mobility, and thermodynamic stability) performed at Invitae indicates that this missense variant is not expected to disrupt NR2E3 protein function.